The following is an entry in ClinVar:

NM_172201.2(KCNE2):c.253dup (p.His85fs)

Genes: KCNE2 (potassium voltage-gated channel subfamily E regulatory subunit 2; plus strand), LOC105372791 (uncharacterized LOC105372791; minus strand). Cytogenetic location: 21q22.11.
Variant type: Duplication.
Coding change: c.253dup on transcript NM_172201.2 (MANE Select); coding-DNA position 253, one base duplicated (C; older notation c.253dupC).
Protein change: p.His85fs; shifts the reading frame from histidine 85.
Molecular consequence: frameshift variant. On other transcripts: non-coding transcript variant (2).
Genome position (GRCh38, 1-based): chr21:34,370,731, C duplicated; the last of 2 consecutive C bases (chr21:34,370,730-34,370,731); duplicating either gives the same sequence. VCF-style (leftmost placement, unchanged base first): chr21-34370729-A-AC. GRCh37 (hg19) VCF-style: chr21-35743028-A-AC.
Other names: c.253dupC (NM_172201.1); short protein forms H85fs.
Identifiers: ClinVar variation 3287553 (VCV003287553.1).

ClinVar aggregate classification (germline): Uncertain significance (1 of 4 stars; one submission).

Conditions:
Cardiovascular phenotype. Identifiers: MedGen CN230736.

Submission:

Ambry Genetics
Classification: Uncertain significance for Cardiovascular phenotype. Last evaluated: 2024-05-30. Review status: criteria provided, single submitter. Criteria: Ambry Variant Classification Scheme 2023. Collection method: clinical testing. Allele origin: germline.
Comment: The c.253dupC variant, located in coding exon 1 of the KCNE2 gene, results from a duplication of C at nucleotide position 253, causing a translational frameshift with a predicted alternate stop codon (p.H85Pfs*28). This alteration is expected to result in protein truncation or nonsense-mediated mRNA decay. However, the evidence for this gene-disease relationship is limited; therefore, the clinical significance of this alteration is unclear.